The following is an entry in ClinVar:

ClinVar aggregate classification (germline): Uncertain significance. Review status: criteria provided, multiple submitters, no conflicts (2 of 4 stars). 2 submissions from 2 submitters: Uncertain significance (2). Last evaluated 2025-02-24.

Conditions:
Marfan syndrome (MFS). Also called: MARFAN SYNDROME, TYPE I; Marfan syndrome type 1; Marfan's syndrome; Marfan syndrome, classic; FBN1-Related Marfan Syndrome. Identifiers: Orphanet 284963, Orphanet 558, MedGen C0024796, MONDO:0007947, OMIM 154700.
Familial thoracic aortic aneurysm and aortic dissection (TAAD). Also called: Thoracic aortic aneurysms and dissections. Identifiers: Orphanet 91387, MedGen C4707243, MONDO:0019625.

Submissions (2):

GeneDx
Classification: Uncertain significance. Last evaluated: 2025-02-24. Review status: criteria provided, single submitter. Criteria: GeneDx Variant Classification Process June 2021. Collection method: clinical testing. Allele origin: germline. Affected: yes.
Comment: Not observed at significant frequency in large population cohorts (gnomAD); In silico analysis supports that this missense variant has a deleterious effect on protein structure/function; Does not affect a cysteine residue within a calcium-binding EGF-like domain or a TGF-binding protein domain of the FBN1 gene; cysteine substitutions in the calcium-binding EGF-like domains represent the majority of pathogenic missense changes associated with FBN1-related disorders (PMID: 12938084); Has not been previously published as pathogenic or benign to our knowledge; This variant is associated with the following publications: (PMID: 12938084)

Labcorp Genetics (formerly Invitae), Labcorp
Classification: Uncertain significance for Marfan syndrome; Familial thoracic aortic aneurysm and aortic dissection. Last evaluated: 2024-11-05. Review status: criteria provided, single submitter. Criteria: Invitae Variant Classification Sherloc (09022015). Collection method: clinical testing. Allele origin: germline.
Comment: This sequence change replaces aspartic acid, which is acidic and polar, with glycine, which is neutral and non-polar, at codon 2801 of the FBN1 protein (p.Asp2801Gly). This variant is not present in population databases (gnomAD no frequency). This variant has not been reported in the literature in individuals affected with FBN1-related conditions. ClinVar contains an entry for this variant (Variation ID: 2930190). Invitae Evidence Modeling of protein sequence and biophysical properties (such as structural, functional, and spatial information, amino acid conservation, physicochemical variation, residue mobility, and thermodynamic stability) indicates that this missense variant is not expected to disrupt FBN1 protein function with a negative predictive value of 95%. In summary, the available evidence is currently insufficient to determine the role of this variant in disease. Therefore, it has been classified as a Variant of Uncertain Significance.

NM_000138.5(FBN1):c.8402A>G (p.Asp2801Gly)

Gene: FBN1 (fibrillin 1; minus strand). Cytogenetic location: 15q21.1.
Variant type: single nucleotide variant.
Coding change: c.8402A>G on transcript NM_000138.5 (MANE Select); coding-DNA position 8402, A replaced by G.
Protein change: p.Asp2801Gly; replaces aspartic acid 2801 with glycine.
Molecular consequence: missense variant.
Genome position (GRCh38, 1-based): chr15:48,411,204, T>C on the plus strand (A>G on the coding strand, the complement: FBN1 is on the minus strand). VCF-style: chr15-48411204-T-C. GRCh37 (hg19) VCF-style: chr15-48703401-T-C.
Other names: c.8402A>G, p.Asp2801Gly (NM_001406716.1); short protein forms D2801G.
Identifiers: ClinVar variation 2930190 (VCV002930190.5), dbSNP rs2042859370, ClinGen allele CA392319194.